The following continues an entry in ClinVar:

NM_000053.4(ATP7B):c.122A>G (p.Asn41Ser)

Gene: ATP7B. ClinVar aggregate classification (germline): Pathogenic/Likely pathogenic. Pathogenic (13); Likely pathogenic (14).

Submissions 10 to 22 of 29:

New York Genome Center
Classification: Likely pathogenic for Wilson disease. Last evaluated: 2025-02-21. Review status: criteria provided, single submitter. Criteria: NYGC Assertion Criteria 2020. Collection method: clinical testing. Allele origin: inherited. Observed: 1 variant allele, 1 compound heterozygote.
Comment: The inherited c.122A>G variant identified in the ATP7B gene is a single nucleotide variant predicted to replace a highly conserved Asparagine with Serine at amino acid 41 (of 1466; p.(Asn41Ser)) within exon 2 of this 21-exon gene. This variant is found in gnomADv4.1.0 with an allele frequency of 6.14e-4 (2 homozygotes). The c.122A>G, p.(Asn41Ser) variant in ATP7B is reported in ClinVar as both Pathogenic/Likely Pathogenic (20 submissions) and as a Variant of Uncertain Significance (1 submission) (VarID:157928) and has been reported in many affected individuals in the literature in homozygosity or with a second ATP7B variant [PMID:36096368, 35220961, 15024742, 12754702]. In silico algorithms are inconclusive with regards to the effect of this variant on protein function (REVEL=0.57), however in vitro functional studies have demonstrated that the p.Asn41Ser variant leads to abnormal trafficking and protein retention [PMID:19033537]. Given the available evidence, the c.122A>G, p.(Asn41Ser) variant identified in the ATP7B gene is reported as Likely Pathogenic.

Women's Health and Genetics/Laboratory Corporation of America, LabCorp
Classification: Pathogenic for Wilson disease. Last evaluated: 2024-12-10. Review status: criteria provided, single submitter. Criteria: LabCorp Variant Classification Summary - May 2015. Collection method: clinical testing. Allele origin: germline.
Comment: Variant summary: ATP7B c.122A>G (p.Asn41Ser) results in a conservative amino acid change in the encoded protein sequence. Four of five in-silico tools predict a damaging effect of the variant on protein function. The variant allele was found at a frequency of 0.00024 in 249566 control chromosomes. This frequency is not significantly higher than estimated for a pathogenic variant in ATP7B causing Wilson Disease (0.00024 vs 0.0054), allowing no conclusion about variant significance. c.122A>G has been reported in the literature in individuals affected with Wilson Disease (e.g. Deguti_2004, Ben-Rebah_2012, Bost_2012,Coffey_2013, Woimant_2020, Collins_2021, Zhang_2022, Internal data). These data indicate that the variant is likely to be associated with disease. At least one publication reports experimental evidence evaluating an impact on protein function, and suggests that the variant impairs copper-sensitive ATP7B protein targeting and retention (Braiterman_2009). The following publications have been ascertained in the context of this evaluation (PMID: 20437613, 22106832, 22677543, 21454443, 19033537, 22820477, 23518715, 33640437, 15024742, 29473088, 22898812, 31408533, 32770663, 35220961). ClinVar contains an entry for this variant (Variation ID: 157928). Based on the evidence outlined above, the variant was classified as pathogenic.

All of Us Research Program, National Institutes of Health
Classification: Likely pathogenic for Wilson disease. Last evaluated: 2024-09-23. Review status: criteria provided, single submitter. Criteria: ACMG Guidelines, 2015. Collection method: clinical testing. Allele origin: germline. Inheritance: Autosomal recessive inheritance. Observed: 109 variant alleles, 109 heterozygotes.
Comment: This missense variant replaces asparagine with serine at codon 41 of the ATP7B protein. This variant is located in the p.Phe37_Glu45 sequence that is thought to be an essential apical targeting determinant for ATP7B in elevated copper condition and participate in the post-trans-Golgi network retention of the protein under low-copper condition (PMID: 19033537). Functional studies have shown that this variant results in reduced protein stability and defective copper-induced trafficking of ATP7B protein (PMID: 19033537, 37660282, 38032054). This variant has been observed in many individuals affected with autosomal recessive Wilson disease with at least four individuals confirmed to carry this variant in compound heterozygosity with a second pathogenic variant (PMID: 15024742, 22677543, 22820477, 23518715, 32770663, 33640437, 36096368; DOI: 10.21203/rs.3.rs-2858430/v1, 10.12996/gmj.2023.3795; ClinVar Accession: SCV000626829.6). This variant has been identified in 68/280840 chromosomes in the general population by the Genome Aggregation Database (gnomAD). Based on the available evidence, this variant is classified as Likely Pathogenic.

This study involves interpretation of variants in research participants for the purpose of population health screening. Participant phenotype was not available at the time of variant classification. Additional details can be found in publication PMID: 35346344, PMCID: PMC8962531

Blueprint Genetics
Classification: Pathogenic for ATP7B-related disorders. Last evaluated: 2024-08-30. Review status: criteria provided, single submitter. Criteria: ACMG Guidelines, 2015. Collection method: clinical testing. Allele origin: germline. Affected: yes. Observed: 5 variant alleles.

Revvity Omics, Revvity
Classification: Likely pathogenic for Wilson disease. Last evaluated: 2024-06-17. Review status: criteria provided, single submitter. Criteria: ACMG Guidelines, 2015. Collection method: clinical testing. Allele origin: germline.

Fulgent Genetics
Classification: Pathogenic for Wilson disease. Last evaluated: 2024-06-01. Review status: criteria provided, single submitter. Criteria: ACMG Guidelines, 2015. Collection method: clinical testing. Allele origin: germline.

Molecular Genetics, Royal Melbourne Hospital
Classification: Pathogenic for Wilson disease. Last evaluated: 2023-07-07. Review status: criteria provided, single submitter. Criteria: ACMG Guidelines, 2015. Collection method: clinical testing. Allele origin: germline. Inheritance: Autosomal recessive inheritance.
Comment: This sequence change in ATP7B is predicted to replace asparagine with serine at codon 41, p.(Asn41Ser). The asparagine residue is highly conserved (100 vertebrates, UCSC), and is located in the NXXY motif, a region that is shown to be critical for ATP7B protein transport (PMID: 19033537). There is a small physicochemical difference between asparagine and serine. The highest population minor allele frequency in the population database gnomAD v2.1 is 0.047% (61/128,586 alleles) in the European (non-Finnish) population. Computational evidence is uninformative for the missense substitution (REVEL = 0.569). This variant has been detected in at least four individuals with a clinical diagnosis of Wilson disease. These individuals were compound heterozygous for the variant and a pathogenic or likely pathogenic variant and were confirmed in trans (PMID:15024742, 23518715, 22820477, 33640437). Heterozygous variants in ATP7B have been reported in individuals with late-onset Parkinson's Disease and Wilson Disease (PMID: 31426520, 33972609). An in vitro functional assay using WIF-B cells and mutagenesis showed a complete disruption in protein trafficking in the basolateral membrane indicating that this variant impacts protein function, however, the reason for copper accumulation is still unknown (PMID: 19033537). Based on the classification scheme RMH Modified ACMG/AMP Guidelines v1.6.1, this variant is classified as PATHOGENIC. Following criteria are met: PM3_VeryStrong, PM1, PM2_Supporting, PS3_Supporting

Mendelics
Classification: Pathogenic for Wilson disease. Last evaluated: 2022-05-04. Review status: criteria provided, single submitter. Criteria: Mendelics Assertion Criteria 2019. Collection method: clinical testing. Allele origin: germline.

AiLife Diagnostics
Classification: Likely pathogenic. Last evaluated: 2022-03-25. Review status: criteria provided, single submitter. Criteria: ACMG Guidelines, 2015. Collection method: clinical testing. Allele origin: germline. Affected: yes. Observed: 2 variant alleles.

Genome-Nilou Lab
Classification: Pathogenic for Wilson disease. Last evaluated: 2021-08-10. Review status: criteria provided, single submitter. Criteria: ACMG Guidelines, 2015. Collection method: clinical testing. Allele origin: germline. Affected: no.

ARUP Laboratories, Molecular Genetics and Genomics, ARUP Laboratories
Classification: Likely pathogenic for Wilson disease. Last evaluated: 2020-04-24. Review status: criteria provided, single submitter. Criteria: ARUP Molecular Germline Variant Investigation Process. Collection method: clinical testing. Allele origin: germline.
Comment: The ATP7B c.122A>G; p.Asn41Ser variant (rs201738967) has been described in at least 3 individuals affected with Wilson disease and two of these individuals carry a second pathogenic ATP7B variant (Bost 2012, Coffey 2013, Deguti 2004). It is reported as likely pathogenic by multiple laboratories in ClinVar (Variation ID: 157928) and observed in the general population at an overall frequency of 0.024% (68/280,840 alleles) in the Genome Aggregation Database. The asparagine at codon 41 is highly conserved, and computational algorithms (PolyPhen-2, SIFT) predict that this variant is deleterious. Additionally, in vitro functional analysis of this variant protein demonstrates severely disabled protein targeting and retention (Braiterman 2009). Based on available information, this variant is considered likely pathogenic. References: Bost M et al. Molecular analysis of Wilson patients: direct sequencing and MLPA analysis in the ATP7B gene and Atox1 and COMMD1 gene analysis. J Trace Elem Med Biol. 2012 Jun;26(2-3):97-101. Braiterman L et al. Apical targeting and Golgi retention signals reside within a 9-amino acid sequence in the copper-ATPase, ATP7B. Am J Physiol Gastrointest Liver Physiol. 2009 Feb;296(2):G433-44. Coffey A et al. A genetic study of Wilson's disease in the United Kingdom. Brain. 2013 May;136(Pt 5):1476-87. Deguti M et al. Wilson disease: novel mutations in the ATP7B gene and clinical correlation in Brazilian patients. Hum Mutat. 2004 Apr;23(4):398.

Knight Diagnostic Laboratories, Oregon Health and Sciences University
Classification: Likely pathogenic. Last evaluated: 2019-10-09. Review status: criteria provided, single submitter. Criteria: ACMG Guidelines, 2015. Collection method: clinical testing. Allele origin: germline. Observed: 1 variant allele.

Illumina Laboratory Services, Illumina
Classification: Likely pathogenic for Wilson disease. Last evaluated: 2018-08-16. Review status: criteria provided, single submitter. Criteria: ICSL Variant Classification Criteria 09 May 2019. Collection method: clinical testing. Allele origin: germline.
Comment: The ATP7B c.122A>G (p.Asn41Ser) missense variant has been reported in two studies in which it is found in a compound heterozygote state in a total of three patients with Wilson disease. In one of the three patients, the p.Asn41Ser variant was detected in cis with a second missense variant and a third missense variant in trans (Deguti et al. 2004; Coffey et al. 2013). The p.Asn41Ser variant was absent from 60 controls (Deguti et al. 2004) and is reported at a frequency of 0.00048 in the European American population of the Exome Sequencing Project. Functionally, Braiterman et al. (2009) demonstrated that the p.Asn41Ser variant protein was defective in proper targeting and retention in WIF-B cells, when compared to wild type. Based on the evidence, the p.Asn41Ser variant is classified as likely pathogenic for Wilson disease. This variant was observed by ICSL as part of a predisposition screen in an ostensibly healthy population.